The following is an entry in ClinVar:

ClinVar aggregate classification (germline): Uncertain significance (1 of 4 stars; one submission).

Conditions:
Hereditary cancer-predisposing syndrome. Also called: Neoplastic Syndromes, Hereditary; Tumor predisposition; Hereditary Cancer Syndrome; Hereditary neoplastic syndrome. Identifiers: Orphanet 140162, MedGen C0027672, MeSH D009386, MONDO:0015356.

Submission:

Ambry Genetics
Classification: Uncertain significance for Hereditary cancer-predisposing syndrome. Last evaluated: 2026-03-02. Review status: criteria provided, single submitter. Criteria: Ambry Variant Classification Scheme 2023. Collection method: clinical testing. Allele origin: germline.
Comment: The c.1204_1205delGAinsAC variant (also known as p.D402T), located in coding exon 10 of the SMARCE1 gene, results from an in-frame deletion of GA and insertion of AC at nucleotide positions 1204 to 1205. This results in the substitution of the aspartic acid residue for a threonine residue at codon 402, an amino acid with similar properties. This amino acid position is highly conserved in available vertebrate species. In addition, this variant is predicted to be neutral by in silico analysis (Choi Y et al. PLoS ONE. 2012; 7(10):e46688). Based on the available evidence, the clinical significance of this variant remains unclear.

NM_003079.5(SMARCE1):c.1204_1205delinsAC (p.Asp402Thr)

Gene: SMARCE1 (SWI/SNF related BAF chromatin remodeling complex subunit E1; minus strand). Cytogenetic location: 17q21.2.
Variant type: Indel.
Coding change: c.1204_1205delinsAC on transcript NM_003079.5 (MANE Select); coding-DNA positions 1204 to 1205, GA replaced by AC.
Protein change: p.Asp402Thr; replaces aspartic acid 402 with threonine.
Molecular consequence: missense variant.
Genome position (GRCh38, 1-based): chr17:40,628,816-40,628,817, TC replaced by GT on the plus strand (GA replaced by AC on the coding strand, the reverse complement: SMARCE1 is on the minus strand). VCF-style: chr17-40628816-TC-GT. GRCh37 (hg19) VCF-style: chr17-38785068-TC-GT.
Other names: short protein forms D402T.
Identifiers: ClinVar variation 4845050 (VCV004845050.1).